The following is an entry in ClinVar:

ClinVar aggregate classification (germline): Uncertain significance (1 of 4 stars; one submission).

Conditions:
RASopathy. Also called: rasopathies; Noonan spectrum disorder. Identifiers: Orphanet 536391, MedGen C5555857, MONDO:0021060.

Submission:

Labcorp Genetics (formerly Invitae), Labcorp
Classification: Uncertain significance for RASopathy. Last evaluated: 2025-07-24. Review status: criteria provided, single submitter. Criteria: Invitae Variant Classification Sherloc (09022015). Collection method: clinical testing. Allele origin: germline.
Comment: This sequence change replaces isoleucine, which is neutral and non-polar, with methionine, which is neutral and non-polar, at codon 46 of the KRAS protein (p.Ile46Met). This variant is not present in population databases (gnomAD no frequency). This variant has not been reported in the literature in individuals affected with KRAS-related conditions. Invitae Evidence Modeling of protein sequence and biophysical properties (such as structural, functional, and spatial information, amino acid conservation, physicochemical variation, residue mobility, and thermodynamic stability) indicates that this missense variant is expected to disrupt KRAS protein function with a positive predictive value of 95%. In summary, the available evidence is currently insufficient to determine the role of this variant in disease. Therefore, it has been classified as a Variant of Uncertain Significance.

NM_004985.5(KRAS):c.138T>G (p.Ile46Met)

Gene: KRAS (KRAS proto-oncogene, GTPase; minus strand). Cytogenetic location: 12p12.1.
Variant type: single nucleotide variant.
Coding change: c.138T>G on transcript NM_004985.5 (MANE Select); coding-DNA position 138, T replaced by G.
Protein change: p.Ile46Met; replaces isoleucine 46 with methionine.
Molecular consequence: missense variant.
Genome position (GRCh38, 1-based): chr12:25,227,386, A>C on the plus strand (T>G on the coding strand, the complement: KRAS is on the minus strand). VCF-style: chr12-25227386-A-C. GRCh37 (hg19) VCF-style: chr12-25380320-A-C.
Other names: c.138T>G, p.Ile46Met (NM_001369786.1, NM_001369787.1, NM_033360.4); short protein forms I46M.
Identifiers: ClinVar variation 4801164 (VCV004801164.1).